The following is an entry in ClinVar:

ClinVar aggregate classification (germline): Pathogenic. Review status: reviewed by expert panel (3 of 4 stars). 2 submissions from 2 submitters: Pathogenic (1). 1 of the submissions does not count toward it. Last evaluated 2016-10-18.

Conditions:
Breast-ovarian cancer, familial, susceptibility to, 2 (BROVCA2). Also called: BRCA2 Hereditary Breast and Ovarian Cancer. Identifiers: Orphanet 145, MedGen C2675520, MONDO:0012933, OMIM 612555. Disease mechanism: loss of function.

Submissions (2):

Evidence-based Network for the Interpretation of Germline Mutant Alleles (ENIGMA)
Classification: Pathogenic for Breast-ovarian cancer, familial, susceptibility to, 2. Last evaluated: 2016-10-18. Review status: reviewed by expert panel. Criteria: ENIGMA BRCA1/2 Classification Criteria (2015). Collection method: curation. Allele origin: germline.
Comment: Variant allele predicted to encode a truncated non-functional protein.

Consortium of Investigators of Modifiers of BRCA1/2 (CIMBA), c/o University of Cambridge
Classification: Pathogenic for Breast-ovarian cancer, familial, susceptibility to, 2. Last evaluated: 2015-10-02. Review status: criteria provided, single submitter. Criteria: CIMBA Mutation Classification guidelines May 2016. Collection method: clinical testing. Allele origin: germline. Not counted in ClinVar's aggregate classification.

NM_000059.4(BRCA2):c.4092dup (p.Cys1365fs)

Gene: BRCA2 (BRCA2 DNA repair associated; plus strand). Cytogenetic location: 13q13.1.
Variant type: Duplication.
Coding change: c.4092dup on transcript NM_000059.4 (MANE Select); coding-DNA position 4092, one base duplicated (A; older notation c.4092dupA).
Protein change: p.Cys1365fs; shifts the reading frame from cysteine 1365.
Molecular consequence: frameshift variant.
Genome position (GRCh38, 1-based): chr13:32,338,447, A duplicated. VCF-style (leftmost placement, unchanged base first): chr13-32338446-T-TA. GRCh37 (hg19) VCF-style: chr13-32912583-T-TA.
Other names: 4320dupA; short protein forms C1365fs.
Identifiers: ClinVar variation 266790 (VCV000266790.5), dbSNP rs876658329, ClinGen allele CA10589240.